The following is an entry in ClinVar:

ClinVar aggregate classification (germline): Likely pathogenic (1 of 4 stars; one submission).

Conditions:
Niemann-Pick disease, type A. Also called: Infantile Neurovisceral ASMD (Niemann-Pick Disease Type A; NPD-A); SPHINGOMYELIN LIPIDOSIS; SPHINGOMYELINASE DEFICIENCY. Identifiers: Orphanet 77292, MedGen C0268242, MONDO:0009756, OMIM 257200. Disease mechanism: loss of function.

gnomAD v4.1: 2 of 1,614,112 alleles (0.00012%); highest among the groups gnomAD compares: South Asian, 0.0022%; no homozygotes.

Submission:

Foundation for Research in Genetics and Endocrinology, FRIGE's Institute of Human Genetics
Classification: Likely pathogenic for Niemann-Pick disease, type A. Last evaluated: 2025-09-03. Review status: criteria provided, single submitter. Criteria: ACMG Guidelines, 2015. Collection method: clinical testing. Allele origin: germline. Inheritance: Autosomal recessive inheritance. Affected: yes. Observed: 1 compound heterozygote.
Comment: A heterozygous missense variant in exon 8 of the NPC1 gene that results in the amino acid substitution of Phenylalanine for Valine at codon 378 was detected. The observed variant c.1132G>T has not been reported in the 1000 genomes and gnomAD databases. The in silico prediction of the variant is deleterious by PolyPhen-2 (HumDiv), MutationTaster2 and DANN. In summary, the variant meets our criteria to be classified as likely pathogenic.

NM_000271.5(NPC1):c.1132G>T (p.Val378Phe)

Gene: NPC1 (NPC intracellular cholesterol transporter 1; minus strand). Cytogenetic location: 18q11.2.
Variant type: single nucleotide variant.
Coding change: c.1132G>T on transcript NM_000271.5 (MANE Select); coding-DNA position 1132, G replaced by T.
Protein change: p.Val378Phe; replaces valine 378 with phenylalanine.
Molecular consequence: missense variant.
Genome position (GRCh38, 1-based): chr18:23,556,437, C>A on the plus strand (G>T on the coding strand, the complement: NPC1 is on the minus strand). VCF-style: chr18-23556437-C-A. GRCh37 (hg19) VCF-style: chr18-21136401-C-A.
Other names: p.Val378Phe; short protein forms V378F.
Identifiers: ClinVar variation 4755331 (VCV004755331.1).
Genomic context (GRCh38, chr18:23,556,437, plus strand): 5'-GCTGGTCAAAGTACTCTTTTTCCAGGCGAGCCTGGCTGCTGGGGGCTGACCAGAGGTCAA[C>A]TGGATTGGTTGTGACCCGGACAAACACCAGGCCTGACGAACACGCAGTAATGAAGACCAG-3'
Protein context (NP_000262.2, residues 368-388): LVFVRVTTNP[Val378Phe]DLWSAPSSQA